The following is an entry in ClinVar:

ClinVar aggregate classification (germline): Uncertain significance (1 of 4 stars; one submission).

Allele frequency attached by ClinVar (database versions not stated): gnomAD exomes below 0.00001; TOPMed below 0.00001.
gnomAD v4.1: 1 of 1,602,948 alleles (0.000062%); highest among the groups gnomAD compares: African/African-American, 0.0013%; no homozygotes.

Submission:

GeneDx
Classification: Uncertain significance. Last evaluated: 2022-10-17. Review status: criteria provided, single submitter. Criteria: GeneDx Variant Classification Process June 2021. Collection method: clinical testing. Allele origin: germline. Affected: yes.
Comment: Not observed at significant frequency in large population cohorts (gnomAD); Has not been previously published as pathogenic or benign to our knowledge; In silico analysis suggests this variant may impact gene splicing; in the absence of RNA/functional studies the actual effect of this sequence change is unknown

NM_000260.4(MYO7A):c.4413C>T (p.Ser1471=)

Gene: MYO7A (myosin VIIA; plus strand). Cytogenetic location: 11q13.5.
Variant type: single nucleotide variant.
Coding change: c.4413C>T on transcript NM_000260.4 (MANE Select); coding-DNA position 4413, C replaced by T.
Protein change: p.Ser1471=; no amino-acid change (serine 1471 retained).
Molecular consequence: synonymous variant.
Genome position (GRCh38, 1-based): chr11:77,197,570, C>T. VCF-style: chr11-77197570-C-T. GRCh37 (hg19) VCF-style: chr11-76908615-C-T.
Other names: c.4413C>T, p.Ser1471= (NM_001127180.2); c.4380C>T, p.Ser1460= (NM_001369365.1).
Identifiers: ClinVar variation 2499252 (VCV002499252.1), dbSNP rs1956760907, ClinGen allele CA475796347.